The following is an entry in ClinVar:

NC_000016.9:g.(?_89831215)_(89849520_?)del

Gene: FANCA (FA complementation group A; minus strand). Cytogenetic location: 16q24.3.
Variant type: Deletion.
Identifiers: ClinVar variation 1458654 (VCV001458654.6).

ClinVar aggregate classification (germline): Pathogenic (1 of 4 stars; one submission).

Conditions:
Fanconi anemia (FA). Also called: Fanconi's anemia. Identifiers: Orphanet 84, MedGen C0015625, MeSH D005199, MONDO:0019391.

Submission:

Labcorp Genetics (formerly Invitae), Labcorp
Classification: Pathogenic for Fanconi anemia. Last evaluated: 2021-05-13. Review status: criteria provided, single submitter. Criteria: Invitae Variant Classification Sherloc (09022015). Collection method: clinical testing. Allele origin: germline.
Comment: For these reasons, this variant has been classified as Pathogenic. The region of the FANCA gene that includes exon(s) 16-17 has been determined to be clinically significant (PMID: 21273304, 29098742, 23613520, 9711872). Therefore, deletions that encompass that region are likely to disrupt protein function and cause disease. This variant has not been reported in the literature in individuals with FANCA-related conditions. This variant is a gross deletion of the genomic region encompassing exon(s) 16-28 of the FANCA gene. This variant would be expected to be in-frame, preserving the integrity of the reading frame.

Literature cited by the submitters: PubMed 21273304; PubMed 29098742; PubMed 23613520; PubMed 9711872.